The following is an entry in ClinVar:

ClinVar aggregate classification (germline): Likely benign. Review status: criteria provided, multiple submitters, no conflicts (2 of 4 stars). 2 submissions from 2 submitters: Likely benign (2). Last evaluated 2025-01-23.

Conditions:
Lynch syndrome 4 (LYNCH4). Also called: Colorectal cancer, hereditary nonpolyposis, type 4; Hereditary non-polyposis colorectal cancer, type 4. Identifiers: Orphanet 144, MedGen C1838333, MONDO:0013699, OMIM 614337. Disease mechanism: loss of function.
Hereditary nonpolyposis colorectal neoplasms. Identifiers: MedGen C0009405, MeSH D003123.

Allele frequency attached by ClinVar (database versions not stated): gnomAD exomes below 0.00001.
gnomAD v4.1: 1 of 1,350,396 alleles (0.000074%); highest among the groups gnomAD compares: Non-Finnish European, 0.00011%; no homozygotes.

Submissions (2):

Myriad Genetics, Inc.
Classification: Likely benign for Lynch syndrome 4. Last evaluated: 2025-01-23. Review status: criteria provided, single submitter. Criteria: Myriad Autosomal Dominant, Autosomal Recessive and X-Linked Classification Criteria (2023). Collection method: clinical testing. Allele origin: unknown.
Comment: This variant is considered likely benign. This variant is intronic and is not expected to impact mRNA splicing.

Labcorp Genetics (formerly Invitae), Labcorp
Classification: Likely benign for Hereditary nonpolyposis colorectal neoplasms. Last evaluated: 2024-03-11. Review status: criteria provided, single submitter. Criteria: Invitae Variant Classification Sherloc (09022015). Collection method: clinical testing. Allele origin: germline.

NM_000535.7(PMS2):c.164-20A>G

Gene: PMS2 (PMS1 homolog 2, mismatch repair system component; minus strand). Cytogenetic location: 7p22.1.
Variant type: single nucleotide variant.
Coding change: c.164-20A>G on transcript NM_000535.7 (MANE Select); 20 bases into the intron before coding-DNA position 164, A replaced by G.
Molecular consequence: intron variant.
Genome position (GRCh38, 1-based): chr7:6,004,078, T>C on the plus strand (A>G on the coding strand, the complement: PMS2 is on the minus strand). VCF-style: chr7-6004078-T-C. GRCh37 (hg19) VCF-style: chr7-6043709-T-C.
Other names: c.-52-20A>G (NM_001322008.2, NM_001406902.1, NM_001406883.1 and 4 more transcripts); c.-218-20A>G (NM_001406881.1, NM_001406900.1); c.-189-20A>G (NM_001406895.1, NM_001406904.1, NM_001406889.1 and 6 more transcripts); c.-242-20A>G (NM_001406911.1, NM_001322010.2, NM_001322004.2 and 13 more transcripts); c.-321-20A>G (NM_001406879.1, NM_001322015.2, NM_001406878.1 and 3 more transcripts); c.-721-20A>G (NM_001322012.2, NM_001322011.2); c.-52-1442A>G (NM_001406896.1); c.164-20A>G (NM_001406885.1, NM_001406886.1, NM_001406884.1 and 10 more transcripts); and 3 more.
Identifiers: ClinVar variation 2841227 (VCV002841227.4), dbSNP rs2536520532, ClinGen allele CA2681679042.
Genomic context (GRCh38, chr7:6,004,078, plus strand): 5'-AACTTCAATAAGATCCACTCCATAGTCCTTAAGCTTTAGATCTAGAAAGTTTAAAATATT[T>C]ACATATTTATTAAAAACGGACCCATGCTATCAGTTTTTATATTGACATTATTTATAACAT-3'